The following is an entry in ClinVar:

NM_003079.5(SMARCE1):c.473G>T (p.Arg158Leu)

Gene: SMARCE1 (SWI/SNF related BAF chromatin remodeling complex subunit E1; minus strand). Cytogenetic location: 17q21.2.
Variant type: single nucleotide variant.
Coding change: c.473G>T on transcript NM_003079.5 (MANE Select); coding-DNA position 473, G replaced by T.
Protein change: p.Arg158Leu; replaces arginine 158 with leucine.
Molecular consequence: missense variant.
Genome position (GRCh38, 1-based): chr17:40,635,999, C>A on the plus strand (G>T on the coding strand, the complement: SMARCE1 is on the minus strand). VCF-style: chr17-40635999-C-A. GRCh37 (hg19) VCF-style: chr17-38792251-C-A.
Other names: short protein forms R158L.
Identifiers: ClinVar variation 3021403 (VCV003021403.3), dbSNP rs757138170, ClinGen allele CA399366427.

ClinVar aggregate classification (germline): Uncertain significance (1 of 4 stars; one submission).

Conditions:
Familial meningioma. Also called: Meningioma, familial, susceptibility to. Identifiers: Orphanet 263662, MedGen C3551915, MONDO:0011789, OMIM 607174.

Submission:

Labcorp Genetics (formerly Invitae), Labcorp
Classification: Uncertain significance for Familial meningioma. Last evaluated: 2023-11-06. Review status: criteria provided, single submitter. Criteria: Invitae Variant Classification Sherloc (09022015). Collection method: clinical testing. Allele origin: germline.
Comment: This sequence change replaces arginine, which is basic and polar, with leucine, which is neutral and non-polar, at codon 158 of the SMARCE1 protein (p.Arg158Leu). This variant is not present in population databases (gnomAD no frequency). This variant has not been reported in the literature in individuals affected with SMARCE1-related conditions. Advanced modeling of protein sequence and biophysical properties (such as structural, functional, and spatial information, amino acid conservation, physicochemical variation, residue mobility, and thermodynamic stability) performed at Invitae indicates that this missense variant is not expected to disrupt SMARCE1 protein function with a negative predictive value of 80%. In summary, the available evidence is currently insufficient to determine the role of this variant in disease. Therefore, it has been classified as a Variant of Uncertain Significance.